The following is an entry in ClinVar:

ClinVar aggregate classification (germline): Uncertain significance. Review status: criteria provided, multiple submitters, no conflicts (2 of 4 stars). 2 submissions from 2 submitters: Uncertain significance (2). Last evaluated 2023-08-22.

Conditions:
Nephronophthisis. Also called: Juvenile Nephronophthisis. Identifiers: Orphanet 655, MedGen C0687120, MONDO:0019005, HP:0000090.

Allele frequency attached by ClinVar (database versions not stated): gnomAD 0.00001; TOPMed 0.00001.
gnomAD v4.1: 2 of 1,614,056 alleles (0.00012%); highest among the groups gnomAD compares: Non-Finnish European, 0.00017%; no homozygotes.

Submissions (2):

Blueprint Genetics
Classification: Uncertain significance. Last evaluated: 2023-08-22. Review status: criteria provided, single submitter. Criteria: ACMG Guidelines, 2015. Collection method: clinical testing. Allele origin: germline.

Labcorp Genetics (formerly Invitae), Labcorp
Classification: Uncertain significance for Nephronophthisis. Last evaluated: 2022-08-19. Review status: criteria provided, single submitter. Criteria: Invitae Variant Classification Sherloc (09022015). Collection method: clinical testing. Allele origin: germline.
Comment: This sequence change replaces aspartic acid, which is acidic and polar, with glutamic acid, which is acidic and polar, at codon 870 of the INVS protein (p.Asp870Glu). This variant is not present in population databases (gnomAD no frequency). This variant has not been reported in the literature in individuals affected with INVS-related conditions. Algorithms developed to predict the effect of missense changes on protein structure and function are either unavailable or do not agree on the potential impact of this missense change (SIFT: "Deleterious"; PolyPhen-2: "Benign"; Align-GVGD: "Class C0"). In summary, the available evidence is currently insufficient to determine the role of this variant in disease. Therefore, it has been classified as a Variant of Uncertain Significance.

NM_014425.5(INVS):c.2610C>G (p.Asp870Glu)

Gene: INVS (inversin; plus strand). Cytogenetic location: 9q31.1.
Variant type: single nucleotide variant.
Coding change: c.2610C>G on transcript NM_014425.5 (MANE Select); coding-DNA position 2610, C replaced by G.
Protein change: p.Asp870Glu; replaces aspartic acid 870 with glutamic acid.
Molecular consequence: missense variant. On other transcripts: non-coding transcript variant (1).
Genome position (GRCh38, 1-based): chr9:100,292,867, C>G. VCF-style: chr9-100292867-C-G. GRCh37 (hg19) VCF-style: chr9-103055149-C-G.
Other names: c.2322C>G, p.Asp774Glu (NM_001318381.2); c.1632C>G, p.Asp544Glu (NM_001318382.2); short protein forms D544E, D774E, D870E.
Identifiers: ClinVar variation 1934665 (VCV001934665.3), dbSNP rs781645386, ClinGen allele CA374244122.